The following is an entry in ClinVar:

ClinVar aggregate classification (germline): Uncertain significance (1 of 4 stars; one submission).

Conditions:
Hereditary cancer-predisposing syndrome. Also called: Tumor predisposition; Neoplastic Syndromes, Hereditary; Hereditary neoplastic syndrome; Hereditary Cancer Syndrome. Identifiers: Orphanet 140162, MedGen C0027672, MeSH D009386, MONDO:0015356.

Submission:

Ambry Genetics
Classification: Uncertain significance for Hereditary cancer-predisposing syndrome. Last evaluated: 2025-08-27. Review status: criteria provided, single submitter. Criteria: Ambry Variant Classification Scheme 2023. Collection method: clinical testing. Allele origin: germline.
Comment: The p.Q500H variant (also known as c.1500A>T), located in coding exon 15 of the MUTYH gene, results from an A to T substitution at nucleotide position 1500. The glutamine at codon 500 is replaced by histidine, an amino acid with highly similar properties. This amino acid position is conserved. In addition, this alteration is predicted to be tolerated by in silico analysis. Based on the available evidence, the clinical significance of this variant remains unclear.

NM_001048174.2(MUTYH):c.1416A>T (p.Gln472His)

Gene: MUTYH (mutY DNA glycosylase; minus strand). Cytogenetic location: 1p34.1.
Variant type: single nucleotide variant.
Coding change: c.1416A>T on transcript NM_001048174.2 (MANE Select); coding-DNA position 1416, A replaced by T.
Protein change: p.Gln472His; replaces glutamine 472 with histidine.
Molecular consequence: missense variant. On other transcripts: non-coding transcript variant (7).
Genome position (GRCh38, 1-based): chr1:45,330,534, T>A on the plus strand (A>T on the coding strand, the complement: MUTYH is on the minus strand). VCF-style: chr1-45330534-T-A. GRCh37 (hg19) VCF-style: chr1-45796206-T-A.
Other names: c.1140A>T, p.Gln380His (NM_001407091.1, NM_001293196.2, NM_001293192.2); c.1491A>T, p.Gln497His (NM_012222.3); c.1416A>T, p.Gln472His (NM_001293195.2, NM_001407070.1, NM_001407072.1 and 6 more transcripts); c.1071A>T, p.Gln357His (NM_001350650.2, NM_001350651.2, NM_001407082.1); c.1449A>T, p.Gln483His (NM_001407069.1, NM_001407077.1, NM_001293191.2); c.1419A>T, p.Gln473His (NM_001407071.1, NM_001407078.1, NM_001407086.1 and 1 more transcripts); c.1332A>T, p.Gln444His (NM_001407075.1); c.1377A>T, p.Gln459His (NM_001407079.1); and 5 more; short protein forms Q357H, Q458H, Q444H, Q459H, Q473H, Q479H, Q487H, Q472H.
Identifiers: ClinVar variation 4113292 (VCV004113292.1).